The following is an entry in ClinVar:

ClinVar aggregate classification (germline): Uncertain significance (1 of 4 stars; one submission).

Submission:

GeneDx
Classification: Uncertain significance. Last evaluated: 2022-05-16. Review status: criteria provided, single submitter. Criteria: GeneDx Variant Classification Process June 2021. Collection method: clinical testing. Allele origin: germline. Affected: yes.
Comment: Not observed at significant frequency in large population cohorts (gnomAD); In silico analysis supports that this missense variant does not alter protein structure/function; Has not been previously published as pathogenic or benign to our knowledge

NM_005121.3(MED13):c.3038G>C (p.Arg1013Thr)

Gene: MED13 (mediator complex subunit 13; minus strand). Cytogenetic location: 17q23.2.
Variant type: single nucleotide variant.
Coding change: c.3038G>C on transcript NM_005121.3 (MANE Select); coding-DNA position 3038, G replaced by C.
Protein change: p.Arg1013Thr; replaces arginine 1013 with threonine.
Molecular consequence: missense variant.
Genome position (GRCh38, 1-based): chr17:61,982,965, C>G on the plus strand (G>C on the coding strand, the complement: MED13 is on the minus strand). VCF-style: chr17-61982965-C-G. GRCh37 (hg19) VCF-style: chr17-60060326-C-G.
Other names: short protein forms R1013T.
Identifiers: ClinVar variation 1800737 (VCV001800737.1), dbSNP rs2509277874, ClinGen allele CA400505737.